The following is an entry in ClinVar:

ClinVar aggregate classification (germline): Uncertain significance (1 of 4 stars; one submission).

Conditions:
Inclusion body myopathy with early-onset Paget disease with or without frontotemporal dementia 2 (IBMPFD2). Also called: MULTISYSTEM PROTEINOPATHY 2. Identifiers: MedGen C3809468, MONDO:0014178, OMIM 615422.

Submission:

Labcorp Genetics (formerly Invitae), Labcorp
Classification: Uncertain significance for Inclusion body myopathy with early-onset Paget disease with or without frontotemporal dementia 2. Last evaluated: 2025-11-10. Review status: criteria provided, single submitter. Criteria: Invitae Variant Classification Sherloc (09022015). Collection method: clinical testing. Allele origin: germline.
Comment: This sequence change replaces glycine, which is neutral and non-polar, with alanine, which is neutral and non-polar, at codon 261 of the HNRNPA2B1 protein (p.Gly261Ala). This variant is not present in population databases (gnomAD no frequency). This variant has not been reported in the literature in individuals affected with HNRNPA2B1-related conditions. Invitae Evidence Modeling of protein sequence and biophysical properties (such as structural, functional, and spatial information, amino acid conservation, physicochemical variation, residue mobility, and thermodynamic stability) indicates that this missense variant is not expected to disrupt HNRNPA2B1 protein function with a negative predictive value of 80%. In summary, the available evidence is currently insufficient to determine the role of this variant in disease. Therefore, it has been classified as a Variant of Uncertain Significance.

NM_002137.4(HNRNPA2B1):c.746G>C (p.Gly249Ala)

Gene: HNRNPA2B1 (heterogeneous nuclear ribonucleoprotein A2/B1; minus strand). Cytogenetic location: 7p15.2.
Variant type: single nucleotide variant.
Coding change: c.746G>C on transcript NM_002137.4 (MANE Select); coding-DNA position 746, G replaced by C.
Protein change: p.Gly249Ala; replaces glycine 249 with alanine.
Molecular consequence: missense variant. On other transcripts: intron variant (6).
Genome position (GRCh38, 1-based): chr7:26,193,670, C>G on the plus strand (G>C on the coding strand, the complement: HNRNPA2B1 is on the minus strand). VCF-style: chr7-26193670-C-G. GRCh37 (hg19) VCF-style: chr7-26233290-C-G.
Other names: c.746G>C, p.Gly249Ala (NM_001438063.1, NM_001438571.1, NM_001438572.1); c.782G>C, p.Gly261Ala (NM_001438568.1, NM_001438569.1, NM_001438570.1 and 1 more transcripts); c.722-297G>C (NM_001438578.1, NM_001438576.1, NM_001438575.1 and 1 more transcripts); c.758-297G>C (NM_001438574.1, NM_001438573.1); short protein forms G249A, G261A.
Identifiers: ClinVar variation 4798130 (VCV004798130.1).